The following is an entry in ClinVar:

ClinVar aggregate classification (germline): Uncertain significance (1 of 4 stars; one submission).

gnomAD v4.1: 191 of 152,148 alleles (0.13%); highest among the groups gnomAD compares: Middle Eastern, 1%; no homozygotes.

Submission:

Dasa
Classification: Uncertain significance. Last evaluated: 2025-12-26. Review status: criteria provided, single submitter. Criteria: DASA Assertion Criteria. Collection method: clinical testing. Allele origin: germline.
Comment: NM_021922.3(FANCE):c.1383+216C>G is an intronic variant. This classification is supported by population frequency inconsistent with a disease-causing role. Computational prediction algorithms are consistent with a deleterious effect. The currently available literature and clinical evidence are not sufficient to establish a definitive association between this variant and the reported condition. Therefore, this variant is classified as a variant of uncertain significance.

NM_021922.3(FANCE):c.1383+216C>G

Gene: FANCE (FA complementation group E; plus strand). Cytogenetic location: 6p21.31.
Variant type: single nucleotide variant.
Coding change: c.1383+216C>G on transcript NM_021922.3 (MANE Select); 216 bases into the intron after coding-DNA position 1383, C replaced by G.
Molecular consequence: intron variant.
Genome position (GRCh38, 1-based): chr6:35,460,834, C>G. VCF-style: chr6-35460834-C-G. GRCh37 (hg19) VCF-style: chr6-35428611-C-G.
Other names: c.1316+1074C>G (NM_001410876.1).
Identifiers: ClinVar variation 4881222 (VCV004881222.2).